The following is an entry in ClinVar:

ClinVar aggregate classification (germline): Pathogenic (1 of 4 stars; one submission).

Conditions:
Bifunctional peroxisomal enzyme deficiency (DBIF). Also called: D-bifunctional protein deficiency; DBP DEFICIENCY; PBFE DEFICIENCY. Identifiers: Orphanet 300, MedGen C0342870, MONDO:0009855, OMIM 261515. Disease mechanism: loss of function.
Perrault syndrome. Also called: Gonadal dysgenesis with auditory dysfunction, autosomal recessive inheritance. Identifiers: Orphanet 2855, MedGen C0685838, MONDO:0017312.

Submission:

Labcorp Genetics (formerly Invitae), Labcorp
Classification: Pathogenic for Perrault syndrome; Bifunctional peroxisomal enzyme deficiency. Last evaluated: 2022-01-07. Review status: criteria provided, single submitter. Criteria: Invitae Variant Classification Sherloc (09022015). Collection method: clinical testing. Allele origin: germline.
Comment: This sequence change creates a premature translational stop signal (p.Tyr410*) in the HSD17B4 gene. It is expected to result in an absent or disrupted protein product. Loss-of-function variants in HSD17B4 are known to be pathogenic (PMID: 11810648, 16385454). This variant is not present in population databases (gnomAD no frequency). For these reasons, this variant has been classified as Pathogenic. This variant has not been reported in the literature in individuals affected with HSD17B4-related conditions.

Literature cited by the submitters: PubMed 11810648; PubMed 16385454.

NM_000414.4(HSD17B4):c.1230C>G (p.Tyr410Ter)

Gene: HSD17B4 (hydroxysteroid 17-beta dehydrogenase 4; plus strand). Cytogenetic location: 5q23.1.
Variant type: single nucleotide variant.
Coding change: c.1230C>G on transcript NM_000414.4 (MANE Select); coding-DNA position 1230, C replaced by G.
Protein change: p.Tyr410Ter; replaces tyrosine 410 with a stop codon.
Molecular consequence: nonsense. On other transcripts: non-coding transcript variant (2).
Genome position (GRCh38, 1-based): chr5:119,502,061, C>G. VCF-style: chr5-119502061-C-G. GRCh37 (hg19) VCF-style: chr5-118837756-C-G.
Other names: c.1305C>G, p.Tyr435Ter (NM_001199291.3); c.1176C>G, p.Tyr392Ter (NM_001199292.2); c.1158C>G, p.Tyr386Ter (NM_001292027.2); c.810C>G, p.Tyr270Ter (NM_001292028.2); c.1221C>G, p.Tyr407Ter (NM_001374497.1); c.1230C>G, p.Tyr410Ter (NM_001374498.1); c.903C>G, p.Tyr301Ter (NM_001374499.1); c.789C>G, p.Tyr263Ter (NM_001374500.1); and 1 more; short protein forms Y263*, Y270*, Y273*, Y386*, Y392*, Y410*, Y301*, Y407*.
Identifiers: ClinVar variation 1452066 (VCV001452066.6), dbSNP rs763891697, ClinGen allele CA360868413.